The following is an entry in ClinVar:

ClinVar aggregate classification (germline): Uncertain significance. Review status: criteria provided, multiple submitters, no conflicts (2 of 4 stars). 2 submissions from 2 submitters: Uncertain significance (2). Last evaluated 2025-11-11.

Conditions:
Inborn genetic diseases. Identifiers: MedGen C0950123, MeSH D030342.
Transcobalamin II deficiency (TCN2D). Also called: TC II DEFICIENCY; TCN2 DEFICIENCY; Transcolabamin II deficiency. Identifiers: Orphanet 859, MedGen C0342701, MONDO:0010149, OMIM 275350.

Allele frequency attached by ClinVar (database versions not stated): gnomAD exomes below 0.00001; TOPMed below 0.00001; gnomAD 0.00001.

Submissions (2):

Ambry Genetics
Classification: Uncertain significance for Inborn genetic diseases. Last evaluated: 2025-11-11. Review status: criteria provided, single submitter. Criteria: Ambry Variant Classification Scheme 2023. Collection method: clinical testing. Allele origin: germline.

Labcorp Genetics (formerly Invitae), Labcorp
Classification: Uncertain significance for Transcobalamin II deficiency. Last evaluated: 2023-11-27. Review status: criteria provided, single submitter. Criteria: Invitae Variant Classification Sherloc (09022015). Collection method: clinical testing. Allele origin: germline.
Comment: This sequence change replaces glycine, which is neutral and non-polar, with arginine, which is basic and polar, at codon 241 of the TCN2 protein (p.Gly241Arg). This variant is present in population databases (no rsID available, gnomAD 0.003%). This variant has not been reported in the literature in individuals affected with TCN2-related conditions. ClinVar contains an entry for this variant (Variation ID: 1446981). Advanced modeling of protein sequence and biophysical properties (such as structural, functional, and spatial information, amino acid conservation, physicochemical variation, residue mobility, and thermodynamic stability) performed at Invitae indicates that this missense variant is expected to disrupt TCN2 protein function with a positive predictive value of 80%. In summary, the available evidence is currently insufficient to determine the role of this variant in disease. Therefore, it has been classified as a Variant of Uncertain Significance.

NM_000355.4(TCN2):c.721G>A (p.Gly241Arg)

Gene: TCN2 (transcobalamin 2; plus strand). Cytogenetic location: 22q12.2.
Variant type: single nucleotide variant.
Coding change: c.721G>A on transcript NM_000355.4 (MANE Select); coding-DNA position 721, G replaced by A.
Protein change: p.Gly241Arg; replaces glycine 241 with arginine.
Molecular consequence: missense variant.
Genome position (GRCh38, 1-based): chr22:30,615,441, G>A. VCF-style: chr22-30615441-G-A. GRCh37 (hg19) VCF-style: chr22-31011428-G-A.
Other names: c.721G>A (NM_000355.3); c.640G>A, p.Gly214Arg (NM_001184726.2); short protein forms G214R, G241R.
Identifiers: ClinVar variation 1446981 (VCV001446981.9), dbSNP rs1273929738, ClinGen allele CA411212718.